The following is an entry in ClinVar:

ClinVar aggregate classification (germline): Uncertain significance (1 of 4 stars; one submission).

Submission:

Labcorp Genetics (formerly Invitae), Labcorp
Classification: Uncertain significance. Last evaluated: 2024-08-14. Review status: criteria provided, single submitter. Criteria: Invitae Variant Classification Sherloc (09022015). Collection method: clinical testing. Allele origin: germline.
Comment: This sequence change replaces glycine, which is neutral and non-polar, with alanine, which is neutral and non-polar, at codon 91 of the FGF12 protein (p.Gly91Ala). This variant is not present in population databases (gnomAD no frequency). This variant has not been reported in the literature in individuals affected with FGF12-related conditions. Invitae Evidence Modeling of protein sequence and biophysical properties (such as structural, functional, and spatial information, amino acid conservation, physicochemical variation, residue mobility, and thermodynamic stability) has been performed for this missense variant. However, the output from this modeling did not meet the statistical confidence thresholds required to predict the impact of this variant on FGF12 protein function. In summary, the available evidence is currently insufficient to determine the role of this variant in disease. Therefore, it has been classified as a Variant of Uncertain Significance.

NM_004113.6(FGF12):c.86G>C (p.Gly29Ala)

Gene: FGF12 (fibroblast growth factor 12; minus strand). Cytogenetic location: 3q28.
Variant type: single nucleotide variant.
Coding change: c.86G>C on transcript NM_004113.6 (MANE Select); coding-DNA position 86, G replaced by C.
Protein change: p.Gly29Ala; replaces glycine 29 with alanine.
Molecular consequence: missense variant. On other transcripts: intron variant (1).
Genome position (GRCh38, 1-based): chr3:192,360,466, C>G on the plus strand (G>C on the coding strand, the complement: FGF12 is on the minus strand). VCF-style: chr3-192360466-C-G. GRCh37 (hg19) VCF-style: chr3-192078255-C-G.
Other names: c.272G>C, p.Gly91Ala (NM_021032.5); c.14-25002G>C (NM_001377292.1); c.14G>C, p.Gly5Ala (NM_001377293.1, NM_001377294.1); short protein forms G29A, G5A, G91A.
Identifiers: ClinVar variation 3660838 (VCV003660838.2).
Genomic context (GRCh38, chr3:192,360,466, plus strand): 5'-GTAAGAAGCTAATGTTTCTTACTGTAGTCGCTGTTTTCGTCCTTGGTCCCATCAATGGTA[C>G]CATCTGGGTGCATCTGCAGGAAGTATCCCTGCTGGCTGAATAACCTTGTCACAATCCCTT-3'
Protein context (NP_004104.3, residues 19-39): QGYFLQMHPD[Gly29Ala]TIDGTKDENS